The following is an entry in ClinVar:

ClinVar aggregate classification (germline): Likely benign (0 of 4 stars; one submission).

Conditions:
GDNF-related disorder. Also called: GDNF-related condition.

Submission:

PreventionGenetics, part of Exact Sciences
Classification: Likely benign for GDNF-related condition. Last evaluated: 2019-02-21. Review status: no assertion criteria provided. Collection method: clinical testing. Allele origin: germline.
Comment: This variant is classified as likely benign based on ACMG/AMP sequence variant interpretation guidelines (Richards et al. 2015 PMID: 25741868, with internal and published modifications).

NM_000514.4(GDNF):c.-26-10G>T

Gene: GDNF (glial cell derived neurotrophic factor; minus strand). Cytogenetic location: 5p13.2.
Variant type: single nucleotide variant.
Coding change: c.-26-10G>T on transcript NM_000514.4 (MANE Select); 10 bases into the intron before 26 bases upstream of the start codon, G replaced by T.
Molecular consequence: intron variant.
Genome position (GRCh38, 1-based): chr5:37,834,832, C>A on the plus strand (G>T on the coding strand, the complement: GDNF is on the minus strand). VCF-style: chr5-37834832-C-A. GRCh37 (hg19) VCF-style: chr5-37834934-C-A.
Other names: c.26-10G>T (NM_001190469.1, NM_001190468.1); c.-26-10G>T (NM_199231.2).
Identifiers: ClinVar variation 3353198 (VCV003353198.1).